The following is an entry in ClinVar:

ClinVar aggregate classification (germline): Likely pathogenic. Review status: reviewed by expert panel (3 of 4 stars). 2 submissions from 2 submitters: Likely pathogenic (1). 1 of the submissions does not count toward it. Last evaluated 2019-08-11.

Conditions:
Phenylketonuria (PKU). Also called: Phenylketonuria (PKU); FOLLING DISEASE; OLIGOPHRENIA PHENYLPYRUVICA; Phenylketonurias. Identifiers: Orphanet 716, MedGen C0031485, MONDO:0009861, OMIM 261600. Disease mechanism: loss of function.

Submissions (2):

ClinGen PAH Variant Curation Expert Panel
Classification: Likely pathogenic for Phenylketonuria. Last evaluated: 2019-08-11. Review status: reviewed by expert panel. Criteria: ClinGen PAH ACMG Specifications v1. Collection method: curation. Allele origin: germline. Inheritance: Autosomal recessive inheritance.
Comment: The c.547_548delGAinsTT PAH variant has been identified in at least one patient with classic PKU (PMID: 26666653). It was detected in trans with the pathogenic variant c.143T>C; p.Leu48Ser (ClinVar 608). This variant is absent from 1000G, ESP, and gnomAD databases. It is predicted deleterious in multiple in silico models. In summary, this variant meets criteria to be classified as likely pathogenic for PAH. PAH-specific ACMG/AMP criteria applied: PP4, PM2, PM3, PP3.

Inserm U 954, Faculté de Médecine de Nancy
Classification: Likely pathogenic for Phenylketonuria. Review status: no assertion criteria provided. Collection method: not provided. Allele origin: unknown. Not counted in ClinVar's aggregate classification.
ClinVar note: Converted during submission from probable-pathogenic to Likely pathogenic.

Literature cited by the submitters: PubMed 26666653 (cited by ClinGen PAH Variant Curation Expert Panel).

NM_000277.3(PAH):c.547_548delinsTT (p.Glu183Leu)

Gene: PAH (phenylalanine hydroxylase; minus strand). Cytogenetic location: 12q23.2.
Variant type: Indel.
Coding change: c.547_548delinsTT on transcript NM_000277.3 (MANE Select); coding-DNA positions 547 to 548, GA replaced by TT.
Protein change: p.Glu183Leu; replaces glutamic acid 183 with leucine.
Molecular consequence: missense variant.
Genome position (GRCh38, 1-based): chr12:102,855,294-102,855,295, TC replaced by AA on the plus strand (GA replaced by TT on the coding strand, the reverse complement: PAH is on the minus strand). VCF-style: chr12-102855294-TC-AA. GRCh37 (hg19) VCF-style: chr12-103249072-TC-AA.
Other names: c.547_548delinsTT, p.Glu183Leu (NM_001354304.2); short protein forms E183L.
Identifiers: ClinVar variation 120278 (VCV000120278.3), dbSNP rs281865433, ClinGen allele CA267658.